The following is an entry in ClinVar:

NM_000059.4(BRCA2):c.9036_9037insTGATACAGAATTTATCATCTTGCA (p.Thr3013Ter)

Gene: BRCA2 (BRCA2 DNA repair associated; plus strand). Cytogenetic location: 13q13.1.
Variant type: Insertion.
Coding change: c.9036_9037insTGATACAGAATTTATCATCTTGCA on transcript NM_000059.4 (MANE Select); coding-DNA positions 9036 to 9037, TGATACAGAATTTATCATCTTGCA inserted.
Protein change: p.Thr3013Ter; replaces threonine 3013 with a stop codon.
Molecular consequence: nonsense.
Genome position: GRCh38 VCF-style: chr13-32379809-A-AGATACAGAATTTATCATCTTGCAT. GRCh37 (hg19) VCF-style: chr13-32953946-A-AGATACAGAATTTATCATCTTGCAT.
Other names: short protein forms T3013*.
Identifiers: ClinVar variation 1415594 (VCV001415594.6), dbSNP rs2137622613, ClinGen allele CA2573149234.
Genomic context (GRCh38, chr13:32,379,809, plus strand): 5'-GTTATACTGAGTATTTGGCGTCCATCATCAGATTTATATTCTCTGTTAACAGAAGGAAAG[A>AGATACAGAATTTATCATCTTGCAT]GATACAGAATTTATCATCTTGCAACTTCAAAATCTAAAAGTAAATCTGAAAGAGCTAACA-3'

ClinVar aggregate classification (germline): Pathogenic (1 of 4 stars; one submission).

Conditions:
Hereditary breast ovarian cancer syndrome. Also called: Hereditary breast and ovarian cancer syndrome (HBOC); Breast and ovarian cancer; Hereditary breast and ovarian cancer syndrome; Hereditary breast and/or ovarian cancer syndrome; BRCA1- and BRCA2-Associated Hereditary Breast and Ovarian Cancer; Hereditary breast and ovarian cancer. Identifiers: Orphanet 145, MedGen C0677776, MeSH D061325, MONDO:0003582. Disease mechanism: loss of function.

Submission:

Labcorp Genetics (formerly Invitae), Labcorp
Classification: Pathogenic for Hereditary breast ovarian cancer syndrome. Last evaluated: 2022-07-19. Review status: criteria provided, single submitter. Criteria: Invitae Variant Classification Sherloc (09022015). Collection method: clinical testing. Allele origin: germline.
Comment: For these reasons, this variant has been classified as Pathogenic. Algorithms developed to predict the effect of sequence changes on RNA splicing suggest that this variant may create or strengthen a splice site. ClinVar contains an entry for this variant (Variation ID: 1415594). This variant has not been reported in the literature in individuals affected with BRCA2-related conditions. This variant is not present in population databases (gnomAD no frequency). This sequence change creates a premature translational stop signal (p.Thr3013*) in the BRCA2 gene. It is expected to result in an absent or disrupted protein product. Loss-of-function variants in BRCA2 are known to be pathogenic (PMID: 20104584).

Literature cited by the submitters: PubMed 20104584.